The following is an entry in ClinVar:

NM_013382.7(POMT2):c.439-16T>C

Gene: POMT2 (protein O-mannosyltransferase 2; minus strand). Cytogenetic location: 14q24.3.
Variant type: single nucleotide variant.
Coding change: c.439-16T>C on transcript NM_013382.7 (MANE Select); 16 bases into the intron before coding-DNA position 439, T replaced by C.
Molecular consequence: intron variant.
Genome position (GRCh38, 1-based): chr14:77,304,816, A>G on the plus strand (T>C on the coding strand, the complement: POMT2 is on the minus strand). VCF-style: chr14-77304816-A-G. GRCh37 (hg19) VCF-style: chr14-77771159-A-G.
Identifiers: ClinVar variation 518022 (VCV000518022.7), dbSNP rs747572959, ClinGen allele CA7286195.

ClinVar aggregate classification (germline): Likely benign. Review status: criteria provided, multiple submitters, no conflicts (2 of 4 stars). 3 submissions from 3 submitters: Likely benign (3). Last evaluated 2025-12-17.

Conditions:
Muscular dystrophy-dystroglycanopathy (congenital with impaired intellectual development), type B, 2. Also called: Muscular dystrophy-dystroglycanopathy (congenital with intellectual disability), type B2; MUSCULAR DYSTROPHY, CONGENITAL, POMT2-RELATED. Identifiers: MedGen C3150416, MONDO:0013160, OMIM 613156.
Autosomal recessive limb-girdle muscular dystrophy type 2N. Also called: Muscular dystrophy-dystroglycanopathy (limb-girdle), type C, 2; MUSCULAR DYSTROPHY-DYSTROGLYCANOPATHY, LIMB-GIRDLE, POMT2-RELATED. Identifiers: Orphanet 206559, MedGen C3150418, MONDO:0013162, OMIM 613158.
Muscular dystrophy-dystroglycanopathy (congenital with brain and eye anomalies), type A2. Also called: MUSCULAR DYSTROPHY-DYSTROGLYCANOPATHY (CONGENITAL WITH BRAIN AND EYE ANOMALIES), TYPE A, 2; WALKER-WARBURG SYNDROME OR MUSCLE-EYE-BRAIN DISEASE, POMT2-RELATED. Identifiers: Orphanet 588, Orphanet 899, MedGen C3150411, MONDO:0013154, OMIM 613150.

Allele frequency attached by ClinVar (database versions not stated): ExAC 0.00006; gnomAD 0.00008 and 0.00007; gnomAD exomes 0.00006 and 0.00004; TOPMed 0.00008.
gnomAD v4.1: 98 of 1,570,722 alleles (0.0062%); highest among the groups gnomAD compares: Non-Finnish European, 0.0083%; no homozygotes.

Submissions (3):

Labcorp Genetics (formerly Invitae), Labcorp
Classification: Likely benign for Muscular dystrophy-dystroglycanopathy (congenital with impaired intellectual development), type B, 2; Muscular dystrophy-dystroglycanopathy (congenital with brain and eye anomalies), type A2; Autosomal recessive limb-girdle muscular dystrophy type 2N. Last evaluated: 2025-12-17. Review status: criteria provided, single submitter. Criteria: Invitae Variant Classification Sherloc (09022015). Collection method: clinical testing. Allele origin: germline.

Blueprint Genetics
Classification: Likely benign. Last evaluated: 2024-01-09. Review status: criteria provided, single submitter. Criteria: ACMG Guidelines, 2015. Collection method: clinical testing. Allele origin: germline.

GeneDx
Classification: Likely benign. Last evaluated: 2017-06-23. Review status: criteria provided, single submitter. Criteria: GeneDx Variant Classification (06012015). Collection method: clinical testing. Allele origin: germline. Affected: yes.
Comment: This variant is considered likely benign or benign based on one or more of the following criteria: it is a conservative change, it occurs at a poorly conserved position in the protein, it is predicted to be benign by multiple in silico algorithms, and/or has population frequency not consistent with disease.